The following is an entry in ClinVar:

NM_005297.4(MCHR1):c.678C>T (p.Ala226=)

Gene: MCHR1 (melanin concentrating hormone receptor 1; plus strand). Cytogenetic location: 22q13.2.
Variant type: single nucleotide variant.
Coding change: c.678C>T on transcript NM_005297.4 (MANE Select); coding-DNA position 678, C replaced by T.
Protein change: p.Ala226=; no amino-acid change (alanine 226 retained).
Molecular consequence: synonymous variant.
Genome position (GRCh38, 1-based): chr22:40,681,544, C>T. VCF-style: chr22-40681544-C-T. GRCh37 (hg19) VCF-style: chr22-41077548-C-T.
Identifiers: ClinVar variation 732336 (VCV000732336.6), dbSNP rs137903389, ClinGen allele CA10250292.
Genomic context (GRCh38, chr22:40,681,544, plus strand): 5'-CTGGTTCACCCTGTACCAGTTTTTCCTGGCCTTTGCCCTGCCTTTTGTGGTCATCACAGC[C>T]GCATACGTGAGGATCCTGCAGCGCATGACGTCCTCAGTGGCCCCCGCCTCCCAGCGCAGC-3'
Protein context (NP_005288.4, residues 216-236): AFALPFVVIT[Ala226=]AYVRILQRMT

ClinVar aggregate classification (germline): Benign. Review status: criteria provided, multiple submitters, no conflicts (2 of 4 stars). 3 submissions from 3 submitters: Benign (2). 1 of the submissions does not count toward it. Last evaluated 2018-07-10.

Conditions:
MCHR1-related disorder. Also called: MCHR1-related condition.

Allele frequency attached by ClinVar (database versions not stated): ExAC 0.00162; gnomAD exomes 0.00163; ESP Exome Variant Server 0.00354; TOPMed 0.00427; 1000 Genomes Project 0.00459; 1000 Genomes Project 30x 0.00531.
gnomAD v4.1: 1,745 of 1,612,982 alleles (0.11%); highest among the groups gnomAD compares: African/African-American, 1.3%; 14 homozygotes.

Submissions (3):

Labcorp Genetics (formerly Invitae), Labcorp
Classification: Benign. Last evaluated: 2018-07-10. Review status: criteria provided, single submitter. Criteria: Invitae Variant Classification Sherloc (09022015). Collection method: clinical testing. Allele origin: germline.

Breakthrough Genomics
Classification: Benign. Review status: criteria provided, single submitter. Criteria: ACMG Guidelines, 2015. Collection method: not provided. Allele origin: germline. Inheritance: Unknown mechanism. Affected: yes.

PreventionGenetics, part of Exact Sciences
Classification: Benign for MCHR1-related condition. Last evaluated: 2019-04-29. Review status: no assertion criteria provided. Collection method: clinical testing. Allele origin: germline. Not counted in ClinVar's aggregate classification.
Comment: This variant is classified as benign based on ACMG/AMP sequence variant interpretation guidelines (Richards et al. 2015 PMID: 25741868, with internal and published modifications).